The following is an entry in ClinVar:

NM_000465.4(BARD1):c.2295C>T (p.Asp765=)

Gene: BARD1 (BRCA1 associated RING domain 1; minus strand). Cytogenetic location: 2q35.
Variant type: single nucleotide variant.
Coding change: c.2295C>T on transcript NM_000465.4 (MANE Select); coding-DNA position 2295, C replaced by T.
Protein change: p.Asp765=; no amino-acid change (aspartic acid 765 retained).
Molecular consequence: synonymous variant. On other transcripts: non-coding transcript variant (3).
Genome position (GRCh38, 1-based): chr2:214,728,715, G>A on the plus strand (C>T on the coding strand, the complement: BARD1 is on the minus strand). VCF-style: chr2-214728715-G-A. GRCh37 (hg19) VCF-style: chr2-215593439-G-A.
Other names: c.2238C>T, p.Asp746= (NM_001282543.2); c.942C>T, p.Asp314= (NM_001282545.2); c.885C>T, p.Asp295= (NM_001282548.2); c.756C>T, p.Asp252= (NM_001282549.2).
Identifiers: ClinVar variation 1620215 (VCV001620215.10), dbSNP rs1692192527, ClinGen allele CA431392514.

ClinVar aggregate classification (germline): Benign/Likely benign. Review status: criteria provided, multiple submitters, no conflicts (2 of 4 stars). 2 submissions from 2 submitters: Benign (1); Likely benign (1). Last evaluated 2024-07-30.

Conditions:
Familial cancer of breast. Also called: Hereditary breast cancer; hereditary breast carcinoma; BREAST CANCER, FAMILIAL. Identifiers: Orphanet 227535, MedGen C0346153, MONDO:0016419, OMIM 114480. Disease mechanism: loss of function.

Allele frequency attached by ClinVar (database versions not stated): TOPMed below 0.00001.

Submissions (2):

Myriad Genetics, Inc.
Classification: Benign for Familial cancer of breast. Last evaluated: 2024-07-30. Review status: criteria provided, single submitter. Criteria: Myriad Autosomal Dominant, Autosomal Recessive and X-Linked Classification Criteria (2023). Collection method: clinical testing. Allele origin: unknown.
Comment: This variant is considered benign. This variant is a silent/synonymous amino acid change and it is not expected to impact splicing.

Labcorp Genetics (formerly Invitae), Labcorp
Classification: Likely benign for Familial cancer of breast. Last evaluated: 2024-05-29. Review status: criteria provided, single submitter. Criteria: Invitae Variant Classification Sherloc (09022015). Collection method: clinical testing. Allele origin: germline.